The following is an entry in ClinVar:

NM_001733.7(C1R):c.901C>T (p.Arg301Cys)

Gene: C1R (complement C1r; minus strand). Cytogenetic location: 12p13.31.
Variant type: single nucleotide variant.
Coding change: c.901C>T on transcript NM_001733.7 (MANE Select); coding-DNA position 901, C replaced by T.
Protein change: p.Arg301Cys; replaces arginine 301 with cysteine.
Molecular consequence: missense variant.
Genome position (GRCh38, 1-based): chr12:7,088,854, G>A on the plus strand (C>T on the coding strand, the complement: C1R is on the minus strand). VCF-style: chr12-7088854-G-A. GRCh37 (hg19) VCF-style: chr12-7241450-G-A.
Other names: p.Arg301Cys; c.943C>T, p.Arg315Cys (NM_001354346.2); short protein forms R315C, R301C.
Identifiers: ClinVar variation 4541696 (VCV004541696.1).

ClinVar aggregate classification (germline): Uncertain significance (1 of 4 stars; one submission).

gnomAD v4.1: 38 of 771,410 alleles (0.0049%); highest among the groups gnomAD compares: Admixed American, 0.01%; no homozygotes.

Submission:

Mayo Clinic Laboratories, Mayo Clinic
Classification: Uncertain significance. Last evaluated: 2025-09-16. Review status: criteria provided, single submitter. Criteria: ACMG Guidelines, 2015. Collection method: clinical testing. Allele origin: germline. Observed: 1 variant allele.
Comment: BP4_moderate